The following is an entry in ClinVar:

ClinVar aggregate classification (germline): Uncertain significance (1 of 4 stars; one submission).

Submission:

Labcorp Genetics (formerly Invitae), Labcorp
Classification: Uncertain significance. Last evaluated: 2022-11-12. Review status: criteria provided, single submitter. Criteria: Invitae Variant Classification Sherloc (09022015). Collection method: clinical testing. Allele origin: germline.
Comment: This sequence change replaces glutamine, which is neutral and polar, with arginine, which is basic and polar, at codon 86 of the EFEMP1 protein (p.Gln86Arg). This variant is not present in population databases (gnomAD no frequency). This variant has not been reported in the literature in individuals affected with EFEMP1-related conditions. Algorithms developed to predict the effect of missense changes on protein structure and function (SIFT, PolyPhen-2, Align-GVGD) all suggest that this variant is likely to be tolerated. In summary, the available evidence is currently insufficient to determine the role of this variant in disease. Therefore, it has been classified as a Variant of Uncertain Significance.

NM_001039348.3(EFEMP1):c.257A>G (p.Gln86Arg)

Gene: EFEMP1 (EGF-like fibulin extracellular matrix protein 1; minus strand). Cytogenetic location: 2p16.1.
Variant type: single nucleotide variant.
Coding change: c.257A>G on transcript NM_001039348.3 (MANE Select); coding-DNA position 257, A replaced by G.
Protein change: p.Gln86Arg; replaces glutamine 86 with arginine.
Molecular consequence: missense variant.
Genome position (GRCh38, 1-based): chr2:55,917,925, T>C on the plus strand (A>G on the coding strand, the complement: EFEMP1 is on the minus strand). VCF-style: chr2-55917925-T-C. GRCh37 (hg19) VCF-style: chr2-56145060-T-C.
Other names: c.257A>G, p.Gln86Arg (NM_001039349.3); short protein forms Q86R.
Identifiers: ClinVar variation 2813774 (VCV002813774.3), dbSNP rs2465837623, ClinGen allele CA347026837.